The following is an entry in ClinVar:

NM_021645.6(UTP14C):c.835C>T (p.Leu279=)

Genes: ALG11 (ALG11 alpha-1,2-mannosyltransferase; plus strand), UTP14C (UTP14C small subunit processome component; plus strand). Cytogenetic location: 13q14.3.
Variant type: single nucleotide variant.
Coding change: c.835C>T on transcript NM_021645.6 (MANE Select); coding-DNA position 835, C replaced by T.
Protein change: p.Leu279=; no amino-acid change (leucine 279 retained).
Molecular consequence: synonymous variant. On other transcripts: 3 prime UTR variant (1), non-coding transcript variant (1).
Genome position (GRCh38, 1-based): chr13:52,029,639, C>T. VCF-style: chr13-52029639-C-T. GRCh37 (hg19) VCF-style: chr13-52603775-C-T.
Other names: c.*1049C>T (NM_001004127.3).
Identifiers: ClinVar variation 312426 (VCV000312426.7), dbSNP rs3742291, ClinGen allele CA6990252.

ClinVar aggregate classification (germline): Benign. Review status: criteria provided, multiple submitters, no conflicts (2 of 4 stars). 3 submissions from 3 submitters: Benign (3). Last evaluated 2021-06-09.

Conditions:
ALG11-congenital disorder of glycosylation. Also called: CONGENITAL DISORDER OF GLYCOSYLATION, TYPE Ip; ALG11-CDG. Identifiers: Orphanet 280071, MedGen C3150913, MONDO:0013349, OMIM 613661.

Allele frequency attached by ClinVar (database versions not stated): 1000 Genomes Project 0.51058; 1000 Genomes Project 30x 0.51124; TOPMed 0.55768; ESP Exome Variant Server 0.56443; gnomAD 0.56764 and 0.57025; ExAC 0.62881; gnomAD exomes 0.63707 and 0.67731.
gnomAD v4.1: 1,076,058 of 1,613,934 alleles (67%); highest among the groups gnomAD compares: Non-Finnish European, 70%; 366,748 homozygotes.

Submissions (3):

GeneDx
Classification: Benign. Last evaluated: 2021-06-09. Review status: criteria provided, single submitter. Criteria: GeneDx Variant Classification Process June 2021. Collection method: clinical testing. Allele origin: germline. Affected: yes.

Illumina Laboratory Services, Illumina
Classification: Benign for ALG11-congenital disorder of glycosylation. Last evaluated: 2018-01-12. Review status: criteria provided, single submitter. Criteria: ICSL Variant Classification Criteria 13 December 2019. Collection method: clinical testing. Allele origin: germline.
Comment: This variant was observed in the ICSL laboratory as part of a predisposition screen in an ostensibly healthy population. It had not been previously curated by ICSL or reported in the Human Gene Mutation Database (HGMD: prior to June 1st, 2018), and was therefore a candidate for classification through an automated scoring system. Utilizing variant allele frequency, disease prevalence and penetrance estimates, and inheritance mode, an automated score was calculated to assess if this variant is too frequent to cause the disease. Based on the score and internal cut-off values, a variant classified as benign is not then subjected to further curation. The score for this variant resulted in a classification of benign for this disease.

Breakthrough Genomics
Classification: Benign. Review status: criteria provided, single submitter. Criteria: ACMG Guidelines, 2015. Collection method: not provided. Allele origin: germline. Inheritance: Unknown mechanism. Affected: yes.